The following continues an entry in ClinVar:

NM_005343.4(HRAS):c.37G>C (p.Gly13Arg)

ClinVar aggregate classification (germline): Pathogenic/Likely pathogenic. Pathogenic (6); Likely pathogenic (1). ClinVar aggregate classification (somatic clinical impact): Tier I - Strong.

Submissions 8 to 20 of 20:

Genome Diagnostics Laboratory, The Hospital for Sick Children
Classification: Pathogenic for Noonan syndrome and Noonan-related syndrome. Last evaluated: 2021-05-08. Review status: criteria provided, single submitter. Criteria: ACMG Guidelines, 2015. Collection method: clinical testing. Allele origin: germline. Affected: yes.

Blueprint Genetics
Classification: Pathogenic for HRAS-related disorders. Last evaluated: 2020-07-27. Review status: criteria provided, single submitter. Criteria: ACMG Guidelines, 2015. Collection method: clinical testing. Allele origin: germline. Affected: yes. Observed: 1 variant allele.

Revvity Omics, Revvity
Classification: Likely pathogenic for Costello syndrome. Last evaluated: 2019-12-18. Review status: criteria provided, single submitter. Criteria: ACMG Guidelines, 2015. Collection method: clinical testing. Allele origin: germline.

Genomic Medicine Lab, University of California San Francisco
Classification: Pathogenic for Non-immune hydrops fetalis. Last evaluated: 2019-05-29. Review status: criteria provided, single submitter. Criteria: ACMG Guidelines, 2015. Collection method: clinical testing. Allele origin: de novo. Inheritance: Autosomal dominant inheritance. Affected: yes. Study: CSER-P3EGS.

PreventionGenetics, part of Exact Sciences
Classification: Pathogenic for HRAS-related condition. Last evaluated: 2024-03-18. Review status: no assertion criteria provided. Collection method: clinical testing. Allele origin: germline. Not counted in ClinVar's aggregate classification.
Comment: The HRAS c.37G>C variant is predicted to result in the amino acid substitution p.Gly13Arg. This variant has been reported to occur de novo in a patient with non-immune hydrops fetalis and suspected Costello syndrome (Sparks et al 2020. PubMed ID: 33027564). Several other amino substitutions at this position (p.Gly13Ser, p.Gly13Asp, p.Gly13Cys, p.Gly13Val) have also been reported in patients with non-immune hydrops fetalis, Costello syndrome, or multiple congenital anomalies (Sparks et al 2020. PubMed ID: 33027564; Lefebvre. 2021. PubMed ID: 32732226; Estep. 2006. PubMed ID: 16372351). This variant has been reported as a postzygotic somatic change in skin lesions from individuals with nevus sebaceous and in an individual with Schimmelpenning syndrome (Groesser at al. 2012. PubMed ID: 22683711). It has also been reported as a recurrent somatic change in sporadic medullary thyroid carcinomas (Ciampi et al. 2019. PubMed ID: 31605946), and keratinocytic epidermal nevi (Hafner et al. 2012. PubMed ID: 22499344). This variant has not been reported in a large population database, indicating this variant is rare. This variant is interpreted in ClinVar as pathogenic by many outside laboratories. This variant is interpreted as pathogenic.

Institute of Medical Sciences, Banaras Hindu University
Classification: Pathogenic for Lip and oral cavity carcinoma. Last evaluated: 2019-04-30. Review status: no assertion criteria provided. Collection method: research. Allele origin: somatic. Affected: yes. Not counted in ClinVar's aggregate classification.

Yale Center for Mendelian Genomics, Yale University
Classification: Likely pathogenic for cutaneous-skeletal hypophosphatemia syndrome. Last evaluated: 2016-08-01. Review status: no assertion criteria provided. Collection method: literature only. Allele origin: somatic. Affected: yes. Observed: 3 heterozygotes. Study: Yale Center for Mendelian Genomics. Not counted in ClinVar's aggregate classification.

OMIM
Classification: Pathogenic for NEVUS SEBACEOUS, SOMATIC. Last evaluated: 2014-06-01. Review status: no assertion criteria provided. Collection method: literature only. Allele origin: somatic. Not counted in ClinVar's aggregate classification.

OMIM
Classification: Pathogenic for SCHIMMELPENNING-FEUERSTEIN-MIMS SYNDROME, SOMATIC MOSAIC. Last evaluated: 2014-06-01. Review status: no assertion criteria provided. Collection method: literature only. Allele origin: somatic. Not counted in ClinVar's aggregate classification.

OMIM
Classification: Pathogenic for EPIDERMAL NEVUS, SOMATIC. Last evaluated: 2014-06-01. Review status: no assertion criteria provided. Collection method: literature only. Allele origin: somatic. Not counted in ClinVar's aggregate classification.

OMIM
Classification: Pathogenic for NEVUS SPILUS, SOMATIC. Last evaluated: 2014-06-01. Review status: no assertion criteria provided. Collection method: literature only. Allele origin: somatic. Not counted in ClinVar's aggregate classification.

OMIM
Classification: Pathogenic for SPITZ NEVUS, SOMATIC. Last evaluated: 2014-06-01. Review status: no assertion criteria provided. Collection method: literature only. Allele origin: somatic. Not counted in ClinVar's aggregate classification.

Yale Center for Mendelian Genomics, Yale University
Classification: Pathogenic for Nevus sebaceous. Last evaluated: 2012-10-25. Review status: no assertion criteria provided. Collection method: literature only. Allele origin: somatic. Affected: yes. Observed: 3 heterozygotes. Not counted in ClinVar's aggregate classification.

Literature cited by the submitters: PubMed 22683711 (cited by 3 submitters); PubMed 24436047 (cited by Institute for Genomic Medicine (IGM) Clinical Laboratory, Nationwide Children's Hospital); PubMed 34166060 (cited by Institute for Genomic Medicine (IGM) Clinical Laboratory, Nationwide Children's Hospital); PubMed 19681119 (cited by Institute for Genomic Medicine (IGM) Clinical Laboratory, Nationwide Children's Hospital); PubMed 24332040 (cited by Institute for Genomic Medicine (IGM) Clinical Laboratory, Nationwide Children's Hospital); PubMed 25768946 (cited by Institute for Genomic Medicine (IGM) Clinical Laboratory, Nationwide Children's Hospital); PubMed 26872011 (cited by Institute for Genomic Medicine (IGM) Clinical Laboratory, Nationwide Children's Hospital); PubMed 38496756 (cited by Institute for Genomic Medicine (IGM) Clinical Laboratory, Nationwide Children's Hospital); PubMed 33027564 (cited by Women's Health and Genetics/Laboratory Corporation of America, LabCorp); PubMed 30191474 (cited by Women's Health and Genetics/Laboratory Corporation of America, LabCorp); PubMed 20937837 (cited by Women's Health and Genetics/Laboratory Corporation of America, LabCorp); PubMed 31775759 (cited by Institute of Medical Sciences, Banaras Hindu University); PubMed 27444071 (cited by Yale Center for Mendelian Genomics, Yale University); PubMed 24129065 (cited by OMIM); PubMed 22499344 (cited by OMIM); PubMed 23884457 (cited by OMIM); PubMed 24390138 (cited by OMIM); PubMed 12835555 (cited by OMIM); PubMed 24006476 (cited by OMIM); PubMed 23096712 (cited by Yale Center for Mendelian Genomics, Yale University).